The following is an entry in ClinVar:

ClinVar aggregate classification (germline): Uncertain significance. Review status: criteria provided, multiple submitters, no conflicts (2 of 4 stars). 2 submissions from 2 submitters: Uncertain significance (2). Last evaluated 2024-03-15.

Conditions:
Hereditary cancer-predisposing syndrome. Also called: Hereditary neoplastic syndrome; Tumor predisposition; Neoplastic Syndromes, Hereditary; Hereditary Cancer Syndrome. Identifiers: Orphanet 140162, MedGen C0027672, MeSH D009386, MONDO:0015356.
Neuroblastoma, susceptibility to, 3. Also called: ALK-Related Neuroblastic Tumor Susceptibility. Identifiers: Orphanet 635, MedGen C2751681, MONDO:0013083, OMIM 613014.

Submissions (2):

Ambry Genetics
Classification: Uncertain significance for Hereditary cancer-predisposing syndrome. Last evaluated: 2024-03-15. Review status: criteria provided, single submitter. Criteria: Ambry Variant Classification Scheme 2023. Collection method: clinical testing. Allele origin: germline.
Comment: The p.R179C variant (also known as c.535C>T), located in coding exon 1 of the ALK gene, results from a C to T substitution at nucleotide position 535. The arginine at codon 179 is replaced by cysteine, an amino acid with highly dissimilar properties. This amino acid position is conserved. In addition, this alteration is predicted to be tolerated by in silico analysis. Based on the available evidence, the clinical significance of this alteration remains unclear.

Labcorp Genetics (formerly Invitae), Labcorp
Classification: Uncertain significance for Neuroblastoma, susceptibility to, 3. Last evaluated: 2019-12-17. Review status: criteria provided, single submitter. Criteria: Invitae Variant Classification Sherloc (09022015). Collection method: clinical testing. Allele origin: germline.
Comment: In summary, the available evidence is currently insufficient to determine the role of this variant in disease. Therefore, it has been classified as a Variant of Uncertain Significance. Algorithms developed to predict the effect of missense changes on protein structure and function (SIFT, PolyPhen-2, Align-GVGD) all suggest that this variant is likely to be tolerated, but these predictions have not been confirmed by published functional studies and their clinical significance is uncertain. This variant has not been reported in the literature in individuals with ALK-related conditions. This variant is not present in population databases (ExAC no frequency). This sequence change replaces arginine with cysteine at codon 179 of the ALK protein (p.Arg179Cys). The arginine residue is weakly conserved and there is a large physicochemical difference between arginine and cysteine.

NM_004304.5(ALK):c.535C>T (p.Arg179Cys)

Gene: ALK (ALK receptor tyrosine kinase; minus strand). Cytogenetic location: 2p23.1.
Variant type: single nucleotide variant.
Coding change: c.535C>T on transcript NM_004304.5 (MANE Select); coding-DNA position 535, C replaced by T.
Protein change: p.Arg179Cys; replaces arginine 179 with cysteine.
Molecular consequence: missense variant.
Genome position (GRCh38, 1-based): chr2:29,920,125, G>A on the plus strand (C>T on the coding strand, the complement: ALK is on the minus strand). VCF-style: chr2-29920125-G-A. GRCh37 (hg19) VCF-style: chr2-30142991-G-A.
Other names: short protein forms R179C.
Identifiers: ClinVar variation 858126 (VCV000858126.10), dbSNP rs62129830, ClinGen allele CA45004751.